The following is an entry in ClinVar:

ClinVar aggregate classification (germline): Uncertain significance (1 of 4 stars; one submission).

Allele frequency attached by ClinVar (database versions not stated): ESP Exome Variant Server 0.00008.
gnomAD v4.1: 6 of 1,614,174 alleles (0.00037%); highest among the groups gnomAD compares: Non-Finnish European, 0.00042%; no homozygotes.

Submission:

Labcorp Genetics (formerly Invitae), Labcorp
Classification: Uncertain significance. Last evaluated: 2023-05-22. Review status: criteria provided, single submitter. Criteria: Invitae Variant Classification Sherloc (09022015). Collection method: clinical testing. Allele origin: germline.
Comment: In summary, the available evidence is currently insufficient to determine the role of this variant in disease. Therefore, it has been classified as a Variant of Uncertain Significance. Advanced modeling of protein sequence and biophysical properties (such as structural, functional, and spatial information, amino acid conservation, physicochemical variation, residue mobility, and thermodynamic stability) performed at Invitae indicates that this missense variant is expected to disrupt CSF2RB protein function. ClinVar contains an entry for this variant (Variation ID: 1442858). This variant has not been reported in the literature in individuals affected with CSF2RB-related conditions. This variant is present in population databases (rs146598061, gnomAD 0.0009%). This sequence change replaces aspartic acid, which is acidic and polar, with asparagine, which is neutral and polar, at codon 821 of the CSF2RB protein (p.Asp821Asn).

NM_000395.3(CSF2RB):c.2461G>A (p.Asp821Asn)

Gene: CSF2RB (colony stimulating factor 2 receptor subunit beta; plus strand). Cytogenetic location: 22q12.3.
Variant type: single nucleotide variant.
Coding change: c.2461G>A on transcript NM_000395.3 (MANE Select); coding-DNA position 2461, G replaced by A.
Protein change: p.Asp821Asn; replaces aspartic acid 821 with asparagine.
Molecular consequence: missense variant.
Genome position (GRCh38, 1-based): chr22:36,938,269, G>A. VCF-style: chr22-36938269-G-A. GRCh37 (hg19) VCF-style: chr22-37334311-G-A.
Other names: short protein forms D821N.
Identifiers: ClinVar variation 1442858 (VCV001442858.6), dbSNP rs146598061, ClinGen allele CA324005480.